The following is an entry in ClinVar:

NM_004168.4(SDHA):c.1772C>T (p.Ala591Val)

Gene: SDHA (succinate dehydrogenase complex flavoprotein subunit A; plus strand). Cytogenetic location: 5p15.33.
Variant type: single nucleotide variant.
Coding change: c.1772C>T on transcript NM_004168.4 (MANE Select); coding-DNA position 1772, C replaced by T.
Protein change: p.Ala591Val; replaces alanine 591 with valine.
Molecular consequence: missense variant. On other transcripts: intron variant (1).
Genome position (GRCh38, 1-based): chr5:251,446, C>T. VCF-style: chr5-251446-C-T. GRCh37 (hg19) VCF-style: chr5-251561-C-T.
Other names: c.1628C>T, p.Ala543Val (NM_001294332.2); c.1552-2947C>T (NM_001330758.2); short protein forms A591V, A543V.
Identifiers: ClinVar variation 472355 (VCV000472355.17), dbSNP rs367621815, ClinGen allele CA112783592.
Genomic context (GRCh38, chr5:251,446, plus strand): 5'-TGATGCTGTGTGCGCTGCAGACCATCTACGGAGCAGAGGCACGGAAGGAGTCACGGGGCG[C>T]GCATGCCAGGGAAGACTACAAGGTGGGCCTTCTCACCACGCCCACCTGCACCTGCCTTTT-3'
Protein context (NP_004159.2, residues 581-601): GAEARKESRG[Ala591Val]HAREDYKVRI

ClinVar aggregate classification (germline): Uncertain significance. Review status: criteria provided, multiple submitters, no conflicts (2 of 4 stars). 4 submissions from 4 submitters: Uncertain significance (4). Last evaluated 2025-11-27.

Conditions:
Hereditary cancer-predisposing syndrome. Also called: Neoplastic Syndromes, Hereditary; Hereditary Cancer Syndrome; Hereditary neoplastic syndrome; Tumor predisposition. Identifiers: Orphanet 140162, MedGen C0027672, MeSH D009386, MONDO:0015356.
Dilated cardiomyopathy 1GG (CMD1GG). Identifiers: Orphanet 154, MedGen C3150898, MONDO:0013339, OMIM 613642.
Mitochondrial complex II deficiency, nuclear type 1. Also called: SUCCINATE CoQ REDUCTASE DEFICIENCY. Identifiers: Orphanet 3208, MedGen C5700310, MONDO:0100294, OMIM 252011.
Pheochromocytoma/paraganglioma syndrome 5. Also called: Paragangliomas 5; SDHA-Related Hereditary Paraganglioma-Pheochromocytoma Syndrome. Identifiers: Orphanet 29072, MedGen C3279992, MONDO:0013602, OMIM 614165.

Allele frequency attached by ClinVar (database versions not stated): gnomAD 0.00001; gnomAD exomes 0.00002; TOPMed 0.00002; ESP Exome Variant Server 0.00008.
gnomAD v4.1: 31 of 1,613,862 alleles (0.0019%); highest among the groups gnomAD compares: Middle Eastern, 0.016%; no homozygotes.

Submissions (4):

Labcorp Genetics (formerly Invitae), Labcorp
Classification: Uncertain significance for Pheochromocytoma/paraganglioma syndrome 5; Mitochondrial complex II deficiency, nuclear type 1. Last evaluated: 2025-11-27. Review status: criteria provided, single submitter. Criteria: Invitae Variant Classification Sherloc (09022015). Collection method: clinical testing. Allele origin: germline.
Comment: This sequence change replaces alanine, which is neutral and non-polar, with valine, which is neutral and non-polar, at codon 591 of the SDHA protein (p.Ala591Val). This variant is present in population databases (rs367621815, gnomAD 0.004%). This missense change has been observed in individual(s) with head and neck paraganglioma (PMID: 30050099). ClinVar contains an entry for this variant (Variation ID: 472355). Invitae Evidence Modeling of protein sequence and biophysical properties (such as structural, functional, and spatial information, amino acid conservation, physicochemical variation, residue mobility, and thermodynamic stability) has been performed for this missense variant. However, the output from this modeling did not meet the statistical confidence thresholds required to predict the impact of this variant on SDHA protein function. In summary, the available evidence is currently insufficient to determine the role of this variant in disease. Therefore, it has been classified as a Variant of Uncertain Significance.

Ambry Genetics
Classification: Uncertain significance for Hereditary cancer-predisposing syndrome. Last evaluated: 2025-10-08. Review status: criteria provided, single submitter. Criteria: Ambry Variant Classification Scheme 2023. Collection method: clinical testing. Allele origin: germline.
Comment: The p.A591V variant (also known as c.1772C>T), located in coding exon 13 of the SDHA gene, results from a C to T substitution at nucleotide position 1772. The alanine at codon 591 is replaced by valine, an amino acid with similar properties. This variant has been identified in a patient with a head and neck paraganglioma from a cohort of 391 paraganglioma and/or pheochromocytoma patients (Richter S et al. Genet Med, 2019 03;21:705-717).This amino acid position is highly conserved in available vertebrate species. In addition, this alteration is predicted to be deleterious by in silico analysis. Since supporting evidence is limited at this time, the clinical significance of this alteration remains unclear.

Baylor Genetics
Classification: Uncertain significance for Dilated cardiomyopathy 1GG. Last evaluated: 2023-10-09. Review status: criteria provided, single submitter. Criteria: ACMG Guidelines, 2015. Collection method: clinical testing. Allele origin: unknown.

Laboratorio de Genetica e Diagnostico Molecular, Hospital Israelita Albert Einstein
Classification: Uncertain significance. Last evaluated: 2021-04-08. Review status: criteria provided, single submitter. Criteria: ACMG Guidelines, 2015. Collection method: clinical testing. Allele origin: germline. Affected: yes.
Comment: ACMG classification criteria: PP3

Literature cited by the submitters: PubMed 30050099 (cited by Labcorp Genetics (formerly Invitae), Labcorp and Ambry Genetics).